The following is an entry in ClinVar:

NM_001145809.2(MYH14):c.3721_3722del (p.Leu1241fs)

Gene: MYH14 (myosin heavy chain 14; plus strand). Cytogenetic location: 19q13.33.
Variant type: Microsatellite.
Coding change: c.3721_3722del on transcript NM_001145809.2 (MANE Select); coding-DNA positions 3721 to 3722, 2 bases deleted (CT; older notation c.3721_3722delCT).
Protein change: p.Leu1241fs; shifts the reading frame from leucine 1241.
Molecular consequence: frameshift variant.
Genome position (GRCh38, 1-based): chr19:50,276,797-50,276,798, CT deleted; deleting any 2 consecutive bases within chr19:50,276,795-50,276,798 gives the same sequence; the c. name uses the placement nearest the transcript's 3' end. VCF-style (leftmost placement, unchanged base first): chr19-50276794-ACT-A. GRCh37 (hg19) VCF-style: chr19-50780051-ACT-A.
Other names: c.3622_3623del, p.Leu1208fs (NM_001077186.2); c.3598_3599del, p.Leu1200fs (NM_024729.4); c.3598_3599delCT (NM_024729.4); short protein forms L1200fs, L1208fs, L1241fs.
Identifiers: ClinVar variation 3629635 (VCV003629635.1).

ClinVar aggregate classification (germline): Pathogenic (1 of 4 stars; one submission).

Conditions:
Autosomal dominant nonsyndromic hearing loss 4A. Also called: Deafness, autosomal dominant 4A. Identifiers: Orphanet 90635, MedGen C1833503, MONDO:0010915, OMIM 600652.

Submission:

Women's Health and Genetics/Laboratory Corporation of America, LabCorp
Classification: Pathogenic for Autosomal dominant nonsyndromic hearing loss 4A. Last evaluated: 2024-11-14. Review status: criteria provided, single submitter. Criteria: LabCorp Variant Classification Summary - May 2015. Collection method: clinical testing. Allele origin: germline.
Comment: Variant summary: MYH14 c.3598_3599delCT (p.Leu1200GlyfsX68) results in a premature termination codon, predicted to cause a truncation of the encoded protein or absence of the protein due to nonsense mediated decay, which are commonly known mechanisms for disease. The variant was absent in 248820 control chromosomes. To our knowledge, no occurrence of c.3598_3599delCT in individuals affected with Autosomal dominant nonsyndromic hearing loss 4A and no experimental evidence demonstrating its impact on protein function have been reported. No submitters have cited clinical-significance assessments for this variant to ClinVar. Based on the evidence outlined above, the variant was classified as pathogenic.